The following is an entry in ClinVar:

ClinVar aggregate classification (germline): Likely benign (1 of 4 stars; one submission).

gnomAD v4.1: 195 of 1,550,594 alleles (0.013%); highest among the groups gnomAD compares: South Asian, 0.063%; no homozygotes.

Submission:

CeGaT Center for Human Genetics Tuebingen
Classification: Likely benign. Last evaluated: 2026-03-01. Review status: criteria provided, single submitter. Criteria: CeGaT Center For Human Genetics Tuebingen Variant Classification Criteria Version 2. Collection method: clinical testing. Allele origin: germline. Affected: yes. Observed: 1 variant allele.
Comment: GFAP: BS1

NM_002055.5(GFAP):c.*2761C>T

Genes: DNAAF19 (dynein axonemal assembly factor 19; plus strand), FAM187A (family with sequence similarity 187 member A; plus strand), GFAP (glial fibrillary acidic protein; minus strand). Cytogenetic location: 17q21.31.
Variant type: single nucleotide variant.
Coding change: c.*2761C>T on transcript NM_002055.5 (MANE Select); 2761 bases downstream of the stop codon, C replaced by T.
Molecular consequence: 3 prime UTR variant. On other transcripts: missense variant (1).
Genome position (GRCh38, 1-based): chr17:44,904,586, G>A on the plus strand (C>T on the coding strand, the complement: GFAP is on the minus strand). VCF-style: chr17-44904586-G-A. GRCh37 (hg19) VCF-style: chr17-42981954-G-A.
Other names: c.757G>A, p.Val253Met (NM_001258400.2); c.*1769G>A (NM_001258395.2, NM_001258396.2, NM_213607.3); c.*2248G>A (NM_001258397.3); c.*2187G>A (NM_001258398.3, NM_001258399.2); short protein forms V253M.
Identifiers: ClinVar variation 4820900 (VCV004820900.4).